The following is an entry in ClinVar:

ClinVar aggregate classification (germline): Likely benign. Review status: criteria provided, multiple submitters, no conflicts (2 of 4 stars). 3 submissions from 3 submitters: Likely benign (3). Last evaluated 2026-08-07.

Conditions:
CNGA3-related disorder. Also called: CNGA3-related condition.

Allele frequency attached by ClinVar (database versions not stated): ExAC 0.00002; gnomAD exomes 0.00003; TOPMed 0.00007; ESP Exome Variant Server 0.00008; gnomAD 0.00008 and 0.00009.
gnomAD v4.1: 27 of 1,614,036 alleles (0.0017%); highest among the groups gnomAD compares: African/African-American, 0.031%; no homozygotes.

Submissions (3):

PreventionGenetics, part of Exact Sciences
Classification: Likely benign for CNGA3-related condition. Last evaluated: 2026-08-07. Review status: criteria provided, single submitter. Criteria: ACMG Guidelines, 2015. Collection method: clinical testing. Allele origin: germline.
Comment: This variant is classified as likely benign based on ACMG/AMP sequence variant interpretation guidelines (Richards et al. 2015 PMID: 25741868, with internal and published modifications).

Labcorp Genetics (formerly Invitae), Labcorp
Classification: Likely benign. Last evaluated: 2024-10-29. Review status: criteria provided, single submitter. Criteria: Invitae Variant Classification Sherloc (09022015). Collection method: clinical testing. Allele origin: germline.

Blueprint Genetics
Classification: Likely benign. Last evaluated: 2022-11-03. Review status: criteria provided, single submitter. Criteria: ACMG Guidelines, 2015. Collection method: clinical testing. Allele origin: germline.

NM_001298.3(CNGA3):c.1056C>T (p.Tyr352=)

Gene: CNGA3 (cyclic nucleotide gated channel subunit alpha 3; plus strand). Cytogenetic location: 2q11.2.
Variant type: single nucleotide variant.
Coding change: c.1056C>T on transcript NM_001298.3 (MANE Select); coding-DNA position 1056, C replaced by T.
Protein change: p.Tyr352=; no amino-acid change (tyrosine 352 retained).
Molecular consequence: synonymous variant.
Genome position (GRCh38, 1-based): chr2:98,396,226, C>T. VCF-style: chr2-98396226-C-T. GRCh37 (hg19) VCF-style: chr2-99012689-C-T.
Other names: c.1002C>T, p.Tyr334= (NM_001079878.2).
Identifiers: ClinVar variation 754447 (VCV000754447.12), dbSNP rs372242444, ClinGen allele CA1793938.